The following is an entry in ClinVar:

ClinVar aggregate classification (germline): Benign/Likely benign. Review status: criteria provided, multiple submitters, no conflicts (2 of 4 stars). 2 submissions from 2 submitters: Benign (1); Likely benign (1). Last evaluated 2026-01-13.

Conditions:
DYRK1A-related intellectual disability syndrome (MRD7). Also called: Intellectual developmental disorder, autosomal dominant 7; DYRK1A Syndrome. Identifiers: Orphanet 464306, MedGen C5568143, MONDO:0013578, OMIM 614104.

Allele frequency attached by ClinVar (database versions not stated): gnomAD exomes 0.00019; ExAC 0.00024; gnomAD 0.00068 and 0.00076; 1000 Genomes Project 30x 0.00078; 1000 Genomes Project 0.00080; TOPMed 0.00084; ESP Exome Variant Server 0.00115.
gnomAD v4.1: 182 of 1,569,168 alleles (0.012%); highest among the groups gnomAD compares: African/African-American, 0.23%; 1 homozygote.

Submissions (2):

Labcorp Genetics (formerly Invitae), Labcorp
Classification: Benign for DYRK1A-related intellectual disability syndrome. Last evaluated: 2026-01-13. Review status: criteria provided, single submitter. Criteria: Invitae Variant Classification Sherloc (09022015). Collection method: clinical testing. Allele origin: germline.

GeneDx
Classification: Likely benign. Last evaluated: 2017-06-16. Review status: criteria provided, single submitter. Criteria: GeneDx Variant Classification (06012015). Collection method: clinical testing. Allele origin: germline. Affected: yes.
Comment: This variant is considered likely benign or benign based on one or more of the following criteria: it is a conservative change, it occurs at a poorly conserved position in the protein, it is predicted to be benign by multiple in silico algorithms, and/or has population frequency not consistent with disease.

NM_001347721.2(DYRK1A):c.1071+15G>A

Gene: DYRK1A (dual specificity tyrosine phosphorylation regulated kinase 1A; plus strand). Cytogenetic location: 21q22.13.
Variant type: single nucleotide variant.
Coding change: c.1071+15G>A on transcript NM_001347721.2 (MANE Select); 15 bases into the intron after coding-DNA position 1071, G replaced by A.
Molecular consequence: intron variant.
Genome position (GRCh38, 1-based): chr21:37,493,178, G>A. VCF-style: chr21-37493178-G-A. GRCh37 (hg19) VCF-style: chr21-38865480-G-A.
Other names: c.1098+15G>A (NM_001396.5, NM_101395.2, NM_130438.2); c.1071+15G>A (NM_001347722.2, NM_130436.2); c.984+15G>A (NM_001347723.2).
Identifiers: ClinVar variation 383163 (VCV000383163.9), dbSNP rs374505179, ClinGen allele CA10023904.